The following is an entry in ClinVar:

ClinVar aggregate classification (germline): Uncertain significance. Review status: criteria provided, multiple submitters, no conflicts (2 of 4 stars). 2 submissions from 2 submitters: Uncertain significance (2). Last evaluated 2026-06-10.

Conditions:
Hereditary cancer-predisposing syndrome. Also called: Neoplastic Syndromes, Hereditary; Tumor predisposition; Hereditary Cancer Syndrome; Hereditary neoplastic syndrome. Identifiers: Orphanet 140162, MedGen C0027672, MeSH D009386, MONDO:0015356.

Submissions (2):

Ambry Genetics
Classification: Uncertain significance for Hereditary cancer-predisposing syndrome. Last evaluated: 2026-06-10. Review status: criteria provided, single submitter. Criteria: Ambry Variant Classification Scheme 2023. Collection method: clinical testing. Allele origin: germline.
Comment: The p.S1676T variant (also known as c.5027G>C), located in coding exon 10 of the BRCA2 gene, results from a G to C substitution at nucleotide position 5027. The serine at codon 1676 is replaced by threonine, an amino acid with similar properties. This amino acid position is conserved. In addition, this alteration is predicted to be tolerated by in silico analysis. Based on the available evidence, the clinical significance of this variant remains unclear.

GeneDx
Classification: Uncertain significance. Last evaluated: 2023-12-18. Review status: criteria provided, single submitter. Criteria: GeneDx Variant Classification Process June 2021. Collection method: clinical testing. Allele origin: germline. Affected: yes.
Comment: Not observed at significant frequency in large population cohorts (gnomAD); In silico analysis supports that this missense variant does not alter protein structure/function; Has not been previously published as pathogenic or benign to our knowledge; Also known as 5255G>C; This variant is associated with the following publications: (PMID: 9002670, 22193408)

NM_000059.4(BRCA2):c.5027G>C (p.Ser1676Thr)

Gene: BRCA2 (BRCA2 DNA repair associated; plus strand). Cytogenetic location: 13q13.1.
Variant type: single nucleotide variant.
Coding change: c.5027G>C on transcript NM_000059.4 (MANE Select); coding-DNA position 5027, G replaced by C.
Protein change: p.Ser1676Thr; replaces serine 1676 with threonine.
Molecular consequence: missense variant. On other transcripts: non-coding transcript variant (1), intron variant (2).
Genome position (GRCh38, 1-based): chr13:32,339,382, G>C. VCF-style: chr13-32339382-G-C. GRCh37 (hg19) VCF-style: chr13-32913519-G-C.
Other names: c.5027G>C, p.Ser1676Thr (NM_001406719.1, NM_001406720.1, NM_001432077.1); c.1910-5176G>C (NM_001406721.1); c.425-5176G>C (NM_001406722.1); short protein forms S1676T.
Identifiers: ClinVar variation 3365953 (VCV003365953.2).